The following is an entry in ClinVar:

NC_000005.9:g.(?_41155054)_(41176837_?)dup

Gene: C6 (complement C6; minus strand). Cytogenetic location: 5p13.1.
Variant type: Duplication.
Identifiers: ClinVar variation 2422291 (VCV002422291.3).

ClinVar aggregate classification (germline): Likely pathogenic (1 of 4 stars; one submission).

Submission:

Labcorp Genetics (formerly Invitae), Labcorp
Classification: Likely pathogenic. Last evaluated: 2022-09-17. Review status: criteria provided, single submitter. Criteria: Invitae Variant Classification Sherloc (09022015). Collection method: clinical testing. Allele origin: germline.
Comment: This variant results in a copy number gain of the genomic region encompassing exon(s) 8-14 of the C6 gene. While the exact position of this variant cannot be determined from the data, sub-genic copy number gains are generally in tandem (PMID: 25640679). This variant is predicted to be out-of-frame, and may result in an absent or disrupted protein product. Loss-of-function variants in C6 are known to be pathogenic (PMID: 17257682). In summary, the currently available evidence indicates that the variant is pathogenic, but additional data are needed to prove that conclusively. Therefore, this variant has been classified as Likely Pathogenic. This variant has not been reported in the literature in individuals affected with C6-related conditions.

Literature cited by the submitters: PubMed 25640679; PubMed 17257682.